The following is an entry in ClinVar:

ClinVar aggregate classification (germline): Uncertain significance. Review status: criteria provided, multiple submitters, no conflicts (2 of 4 stars). 4 submissions from 4 submitters: Uncertain significance (4). Last evaluated 2026-01-15.

Conditions:
Spinocerebellar ataxia type 19/22 (SCA19). Also called: SPINOCEREBELLAR ATAXIA 19; SPINOCEREBELLAR ATAXIA 22. Identifiers: Orphanet 98772, MedGen C1846367, MONDO:0011819, OMIM 607346.
Cardiovascular phenotype. Identifiers: MedGen CN230736.

Allele frequency attached by ClinVar (database versions not stated): gnomAD 0.00001.

Submissions (4):

Labcorp Genetics (formerly Invitae), Labcorp
Classification: Uncertain significance for Spinocerebellar ataxia type 19/22. Last evaluated: 2026-01-15. Review status: criteria provided, single submitter. Criteria: Invitae Variant Classification Sherloc (09022015). Collection method: clinical testing. Allele origin: germline.
Comment: This sequence change replaces histidine, which is basic and polar, with arginine, which is basic and polar, at codon 476 of the KCND3 protein (p.His476Arg). This variant is not present in population databases (gnomAD no frequency). This variant has not been reported in the literature in individuals affected with KCND3-related conditions. ClinVar contains an entry for this variant (Variation ID: 804952). Invitae Evidence Modeling of protein sequence and biophysical properties (such as structural, functional, and spatial information, amino acid conservation, physicochemical variation, residue mobility, and thermodynamic stability) indicates that this missense variant is not expected to disrupt KCND3 protein function with a negative predictive value of 95%. In summary, the available evidence is currently insufficient to determine the role of this variant in disease. Therefore, it has been classified as a Variant of Uncertain Significance.

Mayo Clinic Laboratories, Mayo Clinic
Classification: Uncertain significance. Last evaluated: 2024-09-06. Review status: criteria provided, single submitter. Criteria: ACMG Guidelines, 2015. Collection method: clinical testing. Allele origin: germline. Observed: 1 variant allele.
Comment: PP3

Ambry Genetics
Classification: Uncertain significance for Cardiovascular phenotype. Last evaluated: 2024-03-19. Review status: criteria provided, single submitter. Criteria: Ambry Variant Classification Scheme 2023. Collection method: clinical testing. Allele origin: germline.
Comment: The p.H476R variant (also known as c.1427A>G), located in coding exon 4 of the KCND3 gene, results from an A to G substitution at nucleotide position 1427. The histidine at codon 476 is replaced by arginine, an amino acid with highly similar properties. This amino acid position is highly conserved in available vertebrate species. In addition, this alteration is predicted to be deleterious by in silico analysis. Since supporting evidence is limited at this time, the clinical significance of this alteration remains unclear.

Athena Diagnostics
Classification: Uncertain significance. Last evaluated: 2019-05-23. Review status: criteria provided, single submitter. Criteria: Athena Diagnostics Criteria. Collection method: clinical testing. Allele origin: germline.

NM_001378969.1(KCND3):c.1427A>G (p.His476Arg)

Gene: KCND3 (potassium voltage-gated channel subfamily D member 3; minus strand). Cytogenetic location: 1p13.2.
Variant type: single nucleotide variant.
Coding change: c.1427A>G on transcript NM_001378969.1 (MANE Select); coding-DNA position 1427, A replaced by G.
Protein change: p.His476Arg; replaces histidine 476 with arginine.
Molecular consequence: missense variant.
Genome position (GRCh38, 1-based): chr1:111,780,259, T>C on the plus strand (A>G on the coding strand, the complement: KCND3 is on the minus strand). VCF-style: chr1-111780259-T-C. GRCh37 (hg19) VCF-style: chr1-112322881-T-C.
Other names: p.His476Arg; c.1427A>G, p.His476Arg (NM_001378970.1, NM_004980.5, NM_172198.3); short protein forms H476R.
Identifiers: ClinVar variation 804952 (VCV000804952.13), dbSNP rs1571626155, ClinGen allele CA341658640.